The following is an entry in ClinVar:

NM_000016.6(ACADM):c.508G>T (p.Ala170Ser)

Gene: ACADM (acyl-CoA dehydrogenase medium chain; plus strand). Cytogenetic location: 1p31.1.
Variant type: single nucleotide variant.
Coding change: c.508G>T on transcript NM_000016.6 (MANE Select); coding-DNA position 508, G replaced by T.
Protein change: p.Ala170Ser; replaces alanine 170 with serine.
Molecular consequence: missense variant. On other transcripts: 5 prime UTR variant (1).
Genome position (GRCh38, 1-based): chr1:75,740,019, G>T. VCF-style: chr1-75740019-G-T. GRCh37 (hg19) VCF-style: chr1-76205704-G-T.
Other names: c.520G>T, p.Ala174Ser (NM_001127328.3); c.400G>T, p.Ala134Ser (NM_001286042.2); c.607G>T, p.Ala203Ser (NM_001286043.2); c.-60G>T (NM_001286044.2); short protein forms A170S, A174S, A203S, A134S.
Identifiers: ClinVar variation 226056 (VCV000226056.15), dbSNP rs763613689, ClinGen allele CA10576232.

ClinVar aggregate classification (germline): Uncertain significance. Review status: criteria provided, multiple submitters, no conflicts (2 of 4 stars). 5 submissions from 5 submitters: Uncertain significance (4). 1 of the submissions does not count toward it. Last evaluated 2024-03-08.

Conditions:
Medium-chain acyl-coenzyme A dehydrogenase deficiency (ACADMD). Also called: MCAD Deficiency; ACADM DEFICIENCY; MCADD; Medium chain acyl-CoA dehydrogenase deficiency; CARNITINE DEFICIENCY SECONDARY TO MEDIUM-CHAIN ACYL-CoA DEHYDROGENASE DEFICIENCY; MCADH DEFICIENCY. Identifiers: Orphanet 42, MedGen C0220710, MONDO:0008721, OMIM 201450.
Inborn genetic diseases. Identifiers: MedGen C0950123, MeSH D030342.

Allele frequency attached by ClinVar (database versions not stated): gnomAD exomes 0.00003; TOPMed 0.00009; gnomAD 0.00013 and 0.00014.
gnomAD v4.1: 97 of 1,612,854 alleles (0.006%); highest among the groups gnomAD compares: Admixed American, 0.025%; no homozygotes.

Submissions (5):

Ambry Genetics
Classification: Uncertain significance for Inborn genetic diseases. Last evaluated: 2024-03-08. Review status: criteria provided, single submitter. Criteria: Ambry Variant Classification Scheme 2023. Collection method: clinical testing. Allele origin: germline.
Comment: The p.A170S variant (also known as c.508G>T), located in coding exon 7 of the ACADM gene, results from a G to T substitution at nucleotide position 508. The alanine at codon 170 is replaced by serine, an amino acid with similar properties. This amino acid position is conserved. In addition, this alteration is predicted to be deleterious by in silico analysis. Based on the available evidence, the clinical significance of this alteration remains unclear.

Labcorp Genetics (formerly Invitae), Labcorp
Classification: Uncertain significance for Medium-chain acyl-coenzyme A dehydrogenase deficiency. Last evaluated: 2022-07-30. Review status: criteria provided, single submitter. Criteria: Invitae Variant Classification Sherloc (09022015). Collection method: clinical testing. Allele origin: germline.
Comment: This sequence change replaces alanine, which is neutral and non-polar, with serine, which is neutral and polar, at codon 170 of the ACADM protein (p.Ala170Ser). This variant is present in population databases (rs763613689, gnomAD 0.009%). This variant has not been reported in the literature in individuals affected with ACADM-related conditions. ClinVar contains an entry for this variant (Variation ID: 226056). Advanced modeling of protein sequence and biophysical properties (such as structural, functional, and spatial information, amino acid conservation, physicochemical variation, residue mobility, and thermodynamic stability) performed at Invitae indicates that this missense variant is expected to disrupt ACADM protein function. In summary, the available evidence is currently insufficient to determine the role of this variant in disease. Therefore, it has been classified as a Variant of Uncertain Significance.

Laboratorio de Genetica e Diagnostico Molecular, Hospital Israelita Albert Einstein
Classification: Uncertain significance. Last evaluated: 2021-01-27. Review status: criteria provided, single submitter. Criteria: ACMG Guidelines, 2015. Collection method: clinical testing. Allele origin: germline. Affected: yes.
Comment: ACMG classification criteria: PM2

ARUP Laboratories, Molecular Genetics and Genomics, ARUP Laboratories
Classification: Uncertain significance for Medium-chain acyl-coenzyme A dehydrogenase deficiency. Last evaluated: 2015-02-20. Review status: criteria provided, single submitter. Criteria: ACMG Guidelines, 2015. Collection method: clinical testing. Allele origin: germline. Inheritance: Autosomal recessive inheritance. Observed: 3 heterozygotes.

Natera, Inc.
Classification: Uncertain significance for Medium Chain Acyl-CoA Dehydrogenase Deficiency. Last evaluated: 2018-07-16. Review status: no assertion criteria provided. Collection method: clinical testing. Allele origin: germline. Not counted in ClinVar's aggregate classification.